The following is an entry in ClinVar:

ClinVar aggregate classification (germline): Uncertain significance. Review status: criteria provided, multiple submitters, no conflicts (2 of 4 stars). 4 submissions from 4 submitters: Uncertain significance (4). Last evaluated 2026-08-01.

Conditions:
ITGB4-related disorder. Also called: ITGB4-related condition.
Inborn genetic diseases. Identifiers: MedGen C0950123, MeSH D030342.
Epidermolysis bullosa, junctional 5A, intermediate. Also called: EPIDERMOLYSIS BULLOSA, JUNCTIONAL 5A, GENERALIZED INTERMEDIATE; EPIDERMOLYSIS BULLOSA, JUNCTIONAL 5A, NON-HERLITZ TYPE. Identifiers: MedGen C5676956, MONDO:0030768, OMIM 619816.
Junctional epidermolysis bullosa with pyloric atresia. Also called: ITGB4-Related Epidermolysis Bullosa with Pyloric Atresia; Junctional Epidermolysis Bullosa- Pyloric Atresia Syndrome; APLASIA CUTIS CONGENITA WITH GASTROINTESTINAL ATRESIA; CARMI SYNDROME; EB-PA-ACC; EPIDERMOLYSIS BULLOSA, JUNCTIONAL 5B, WITH PYLORIC ATRESIA. Identifiers: Orphanet 79403, MedGen C5676875, MONDO:0009183, OMIM 226730.

Allele frequency attached by ClinVar (database versions not stated): ESP Exome Variant Server 0.00015.
gnomAD v4.1: 408 of 1,613,896 alleles (0.025%); highest among the groups gnomAD compares: Non-Finnish European, 0.03%; no homozygotes.

Submissions (5):

CeGaT Center for Human Genetics Tuebingen
Classification: Uncertain significance. Last evaluated: 2026-08-01. Review status: criteria provided, single submitter. Criteria: CeGaT Center For Human Genetics Tuebingen Variant Classification Criteria Version 2. Collection method: clinical testing. Allele origin: germline. Affected: yes. Observed: 1 variant allele.
Comment: ITGB4: PM2

Fulgent Genetics
Classification: Uncertain significance for Junctional epidermolysis bullosa with pyloric atresia; Epidermolysis bullosa, junctional 5A, intermediate. Last evaluated: 2024-04-01. Review status: criteria provided, single submitter. Criteria: ACMG Guidelines, 2015. Collection method: clinical testing. Allele origin: germline.

Ambry Genetics
Classification: Uncertain significance for Inborn genetic diseases. Last evaluated: 2023-12-26. Review status: criteria provided, single submitter. Criteria: Ambry Variant Classification Scheme 2023. Collection method: clinical testing. Allele origin: germline.

PreventionGenetics, part of Exact Sciences
Classification: Uncertain significance for ITGB4-related condition. Last evaluated: 2022-12-19. Review status: criteria provided, single submitter. Criteria: ACMG Guidelines, 2015. Collection method: clinical testing. Allele origin: germline.
Comment: The ITGB4 c.194C>T variant is predicted to result in the amino acid substitution p.Ala65Val. To our knowledge, this variant has not been reported in the literature. This variant is reported in 0.060% of alleles in individuals of European (Finnish) descent in gnomAD. At this time, the clinical significance of this variant is uncertain due to the absence of conclusive functional and genetic evidence.

Dr. Peter K. Rogan Lab, Western University
No classification provided (evidence only). Condition: Papillary renal cell carcinoma type 1. Review status: no classification provided. Collection method: in vitro. Allele origin: not applicable. Functional consequence: retained intron. Not counted in ClinVar's aggregate classification.

NM_000213.5(ITGB4):c.194C>T (p.Ala65Val)

Gene: ITGB4 (integrin subunit beta 4; plus strand). Cytogenetic location: 17q25.1.
Variant type: single nucleotide variant.
Coding change: c.194C>T on transcript NM_000213.5 (MANE Select); coding-DNA position 194, C replaced by T.
Protein change: p.Ala65Val; replaces alanine 65 with valine.
Molecular consequence: missense variant.
Genome position (GRCh38, 1-based): chr17:75,727,435, C>T. VCF-style: chr17-75727435-C-T. GRCh37 (hg19) VCF-style: chr17-73723516-C-T.
Other names: NC_000017.10:g.73723516C>T; c.194C>T, p.Ala65Val (NM_001005619.2, NM_001005731.3, NM_001321123.2); short protein forms A65V.
Identifiers: ClinVar variation 2349947 (VCV002349947.6), dbSNP rs200966154, ClinGen allele CA8768596.